The following is an entry in ClinVar:

ClinVar aggregate classification (germline): Likely benign. Review status: criteria provided, multiple submitters, no conflicts (2 of 4 stars). 2 submissions from 2 submitters: Likely benign (2). Last evaluated 2025-10-08.

Conditions:
Pitt-Hopkins-like syndrome 2 (PTHSL2). Identifiers: Orphanet 221150, Orphanet 600663, MedGen C3280479, MONDO:0013690, OMIM 614325.

Allele frequency attached by ClinVar (database versions not stated): TOPMed 0.00004; gnomAD 0.00007; ESP Exome Variant Server 0.00008; gnomAD exomes 0.00010 and 0.00011; ExAC 0.00016.
gnomAD v4.1: 153 of 1,551,694 alleles (0.0099%); highest among the groups gnomAD compares: Non-Finnish European, 0.013%; 1 homozygote.

Submissions (2):

Labcorp Genetics (formerly Invitae), Labcorp
Classification: Likely benign for Pitt-Hopkins-like syndrome 2. Last evaluated: 2025-10-08. Review status: criteria provided, single submitter. Criteria: Invitae Variant Classification Sherloc (09022015). Collection method: clinical testing. Allele origin: germline.

GeneDx
Classification: Likely benign. Last evaluated: 2017-10-31. Review status: criteria provided, single submitter. Criteria: GeneDx Variant Classification (06012015). Collection method: clinical testing. Allele origin: germline. Affected: yes.
Comment: This variant is considered likely benign or benign based on one or more of the following criteria: it is a conservative change, it occurs at a poorly conserved position in the protein, it is predicted to be benign by multiple in silico algorithms, and/or has population frequency not consistent with disease.

NM_001330078.2(NRXN1):c.1320+19A>G

Gene: NRXN1 (neurexin 1; minus strand). Cytogenetic location: 2p16.3.
Variant type: single nucleotide variant.
Coding change: c.1320+19A>G on transcript NM_001330078.2 (MANE Select); 19 bases into the intron after coding-DNA position 1320, A replaced by G.
Molecular consequence: intron variant.
Genome position (GRCh38, 1-based): chr2:50,620,003, T>C on the plus strand (A>G on the coding strand, the complement: NRXN1 is on the minus strand). VCF-style: chr2-50620003-T-C. GRCh37 (hg19) VCF-style: chr2-50847141-T-C.
Other names: c.1236+19A>G (NM_001330096.2, NM_001330087.2); c.1281+19A>G (NM_001330083.2, NM_001330084.2); c.1266+19A>G (NM_001330088.2); c.1317+19A>G (NM_001330093.2); c.1308+19A>G (NM_001330094.2); c.1296+19A>G (NM_001330095.2, NM_001330082.2, NM_001330077.2); c.1320+19A>G (NM_001330085.2, NM_004801.6, NM_001330086.2); c.1440+19A>G (NM_001135659.3).
Identifiers: ClinVar variation 513012 (VCV000513012.8), dbSNP rs201399154, ClinGen allele CA1655066.